The following is an entry in ClinVar:

ClinVar aggregate classification (germline): Uncertain significance (1 of 4 stars; one submission).

Conditions:
SYK-related disorder. Also called: SYK-related condition.

Submission:

PreventionGenetics, part of Exact Sciences
Classification: Uncertain significance for SYK-related condition. Last evaluated: 2026-01-13. Review status: criteria provided, single submitter. Criteria: ACMG Guidelines, 2015. Collection method: clinical testing. Allele origin: germline.
Comment: The SYK c.202C>T variant is predicted to result in the amino acid substitution p.Arg68Trp. To our knowledge, this variant has not been reported in the literature. This variant is reported in 0.0058% of alleles in individuals of Latino descent in gnomAD. At this time, the clinical significance of this variant is uncertain due to the absence of conclusive functional and genetic evidence.

NM_003177.7(SYK):c.202C>T (p.Arg68Trp)

Gene: SYK (spleen associated tyrosine kinase; plus strand). Cytogenetic location: 9q22.2.
Variant type: single nucleotide variant.
Coding change: c.202C>T on transcript NM_003177.7 (MANE Select); coding-DNA position 202, C replaced by T.
Protein change: p.Arg68Trp; replaces arginine 68 with tryptophan.
Molecular consequence: missense variant.
Genome position (GRCh38, 1-based): chr9:90,844,100, C>T. VCF-style: chr9-90844100-C-T. GRCh37 (hg19) VCF-style: chr9-93606382-C-T.
Other names: c.202C>T, p.Arg68Trp (NM_001135052.4, NM_001174167.3, NM_001174168.3); short protein forms R68W.
Identifiers: ClinVar variation 4986549 (VCV004986549.1).